The following is an entry in ClinVar:

NM_014795.4(ZEB2):c.544G>T (p.Glu182Ter)

Genes: ZEB2 (zinc finger E-box binding homeobox 2; minus strand), LOC111721705 (skeletal muscle cis-regulatory module overlapping ZEB2; plus strand). Cytogenetic location: 2q22.3.
Variant type: single nucleotide variant.
Coding change: c.544G>T on transcript NM_014795.4 (MANE Select); coding-DNA position 544, G replaced by T.
Protein change: p.Glu182Ter; replaces glutamic acid 182 with a stop codon.
Molecular consequence: nonsense.
Genome position (GRCh38, 1-based): chr2:144,404,884, C>A on the plus strand (G>T on the coding strand, the complement: ZEB2 is on the minus strand). VCF-style: chr2-144404884-C-A. GRCh37 (hg19) VCF-style: chr2-145162451-C-A.
Other names: c.472G>T, p.Glu158Ter (NM_001171653.2); short protein forms E158*, E182*.
Identifiers: ClinVar variation 3778726 (VCV003778726.1).

ClinVar aggregate classification (germline): Pathogenic (1 of 4 stars; one submission).

Conditions:
Mowat-Wilson syndrome (MOWS). Also called: Classic Mowat-Wilson Syndrome. Identifiers: Orphanet 2152, MedGen C1856113, MONDO:0009341, OMIM 235730.

Submission:

Institute of Human Genetics, University of Leipzig Medical Center
Classification: Pathogenic for Mowat-Wilson syndrome. Last evaluated: 2025-03-12. Review status: criteria provided, single submitter. Criteria: ACMG Guidelines, 2015. Collection method: clinical testing. Allele origin: unknown. Inheritance: Autosomal dominant inheritance. Affected: yes.
Comment: Criteria applied: PVS1,PM2